The following is an entry in ClinVar:

ClinVar aggregate classification (germline): Uncertain significance (1 of 4 stars; one submission).

Submission:

Labcorp Genetics (formerly Invitae), Labcorp
Classification: Uncertain significance. Last evaluated: 2025-08-09. Review status: criteria provided, single submitter. Criteria: Invitae Variant Classification Sherloc (09022015). Collection method: clinical testing. Allele origin: germline.
Comment: This sequence change replaces valine, which is neutral and non-polar, with glycine, which is neutral and non-polar, at codon 805 of the MYLK3 protein (p.Val805Gly). This variant is not present in population databases (gnomAD no frequency). This variant has not been reported in the literature in individuals affected with MYLK3-related conditions. ClinVar contains an entry for this variant (Variation ID: 2791158). An algorithm developed to predict the effect of missense changes on protein structure and function (PolyPhen-2) suggests that this variant is likely to be disruptive. In summary, the available evidence is currently insufficient to determine the role of this variant in disease. Therefore, it has been classified as a Variant of Uncertain Significance.

NM_182493.3(MYLK3):c.2414T>G (p.Val805Gly)

Gene: MYLK3 (myosin light chain kinase 3; minus strand). Cytogenetic location: 16q11.2.
Variant type: single nucleotide variant.
Coding change: c.2414T>G on transcript NM_182493.3 (MANE Select); coding-DNA position 2414, T replaced by G.
Protein change: p.Val805Gly; replaces valine 805 with glycine.
Molecular consequence: missense variant.
Genome position (GRCh38, 1-based): chr16:46,707,750, A>C on the plus strand (T>G on the coding strand, the complement: MYLK3 is on the minus strand). VCF-style: chr16-46707750-A-C. GRCh37 (hg19) VCF-style: chr16-46741662-A-C.
Other names: c.1391T>G, p.Val464Gly (NM_001308301.1); short protein forms V464G, V805G.
Identifiers: ClinVar variation 2791158 (VCV002791158.3), dbSNP rs2548897096, ClinGen allele CA395785295.